The following is an entry in ClinVar:

ClinVar aggregate classification (germline): Uncertain significance (1 of 4 stars; one submission).

Submission:

CeGaT Center for Human Genetics Tuebingen
Classification: Uncertain significance. Last evaluated: 2024-02-01. Review status: criteria provided, single submitter. Criteria: CeGaT Center For Human Genetics Tuebingen Variant Classification Criteria Version 2. Collection method: clinical testing. Allele origin: germline. Affected: yes. Observed: 1 variant allele.
Comment: ZNF462: PM2, BP4

NM_021224.6(ZNF462):c.4853C>T (p.Pro1618Leu)

Gene: ZNF462 (zinc finger protein 462; plus strand). Cytogenetic location: 9q31.2.
Variant type: single nucleotide variant.
Coding change: c.4853C>T on transcript NM_021224.6 (MANE Select); coding-DNA position 4853, C replaced by T.
Protein change: p.Pro1618Leu; replaces proline 1618 with leucine.
Molecular consequence: missense variant. On other transcripts: intron variant (1).
Genome position (GRCh38, 1-based): chr9:106,928,765, C>T. VCF-style: chr9-106928765-C-T. GRCh37 (hg19) VCF-style: chr9-109691046-C-T.
Other names: c.3252+1601C>T (NM_001347997.2); short protein forms P1618L.
Identifiers: ClinVar variation 3027228 (VCV003027228.22), dbSNP rs771415035, ClinGen allele CA374412451.